The following is an entry in ClinVar:

ClinVar aggregate classification (germline): Uncertain significance. Review status: criteria provided, multiple submitters, no conflicts (2 of 4 stars). 3 submissions from 3 submitters: Uncertain significance (3). Last evaluated 2025-11-02.

Allele frequency attached by ClinVar (database versions not stated): ExAC 0.00001; gnomAD exomes 0.00001; TOPMed 0.00001.

Submissions (3):

Ambry Genetics
Classification: Uncertain significance. Last evaluated: 2025-11-02. Review status: criteria provided, single submitter. Criteria: Ambry Variant Classification Scheme 2023. Collection method: clinical testing. Allele origin: germline.

Women's Health and Genetics/Laboratory Corporation of America, LabCorp
Classification: Uncertain significance. Last evaluated: 2024-12-16. Review status: criteria provided, single submitter. Criteria: LabCorp Variant Classification Summary - May 2015. Collection method: clinical testing. Allele origin: germline.
Comment: Variant summary: DRP2 c.1628G>A (p.Arg543His) results in a non-conservative amino acid change located in the EF-hand domain, type 2 (IPR015154) of the encoded protein sequence. Five of five in-silico tools predict a damaging effect of the variant on protein function. The variant allele was found at a frequency of 5.5e-06 in 182056 control chromosomes. The available data on variant occurrences in the general population are insufficient to allow any conclusion about variant significance. To our knowledge, no occurrence of c.1628G>A in individuals affected with Charcot-Marie-Tooth disease and no experimental evidence demonstrating its impact on protein function have been reported. ClinVar contains an entry for this variant (Variation ID: 2595777). Based on the evidence outlined above, the variant was classified as uncertain significance.

Labcorp Genetics (formerly Invitae), Labcorp
Classification: Uncertain significance. Last evaluated: 2024-10-10. Review status: criteria provided, single submitter. Criteria: Invitae Variant Classification Sherloc (09022015). Collection method: clinical testing. Allele origin: germline.
Comment: This sequence change replaces arginine, which is basic and polar, with histidine, which is basic and polar, at codon 543 of the DRP2 protein (p.Arg543His). This variant is present in population databases (rs779675953, gnomAD 0.001%). This variant has not been reported in the literature in individuals affected with DRP2-related conditions. ClinVar contains an entry for this variant (Variation ID: 2595777). Invitae Evidence Modeling of protein sequence and biophysical properties (such as structural, functional, and spatial information, amino acid conservation, physicochemical variation, residue mobility, and thermodynamic stability) has been performed for this missense variant. However, the output from this modeling did not meet the statistical confidence thresholds required to predict the impact of this variant on DRP2 protein function. In summary, the available evidence is currently insufficient to determine the role of this variant in disease. Therefore, it has been classified as a Variant of Uncertain Significance.

NM_001939.3(DRP2):c.1628G>A (p.Arg543His)

Gene: DRP2 (dystrophin related protein 2; plus strand). Cytogenetic location: Xq22.1.
Variant type: single nucleotide variant.
Coding change: c.1628G>A on transcript NM_001939.3 (MANE Select); coding-DNA position 1628, G replaced by A.
Protein change: p.Arg543His; replaces arginine 543 with histidine.
Molecular consequence: missense variant.
Genome position (GRCh38, 1-based): chrX:101,250,510, G>A. VCF-style: chrX-101250510-G-A. GRCh37 (hg19) VCF-style: chrX-100505499-G-A.
Other names: c.1394G>A, p.Arg465His (NM_001171184.2); short protein forms R465H, R543H.
Identifiers: ClinVar variation 2595777 (VCV002595777.6), dbSNP rs779675953, ClinGen allele CA10472315.
Genomic context (GRCh38, chrX:101,250,510, plus strand): 5'-GCAGCCAGTGTGACCAGCGCCACCTTGGTGTCCTGCTTCATGAGGCCATTCAGGTGCCCC[G>A]TCAGCTGGGTGAAGTGGCAGCCTTTGGGGGCAGCAATGTGGAGCCCAGTGTCCGTAGTTG-3'
Protein context (NP_001930.2, residues 533-553): VLLHEAIQVP[Arg543His]QLGEVAAFGG